The following is an entry in ClinVar:

ClinVar aggregate classification (germline): Uncertain significance (1 of 4 stars; one submission).

Conditions:
Distal myopathy with posterior leg and anterior hand involvement. Also called: WILLIAMS DISTAL MYOPATHY. Identifiers: Orphanet 63273, MedGen C3279722, MONDO:0013550, OMIM 614065.
Myofibrillar myopathy 5. Also called: Filaminopathy (type); FILAMINOPATHY, AUTOSOMAL DOMINANT. Identifiers: Orphanet 171445, MedGen C1836050, MONDO:0012289, OMIM 609524.
Hypertrophic cardiomyopathy 26. Also called: Cardiomyopathy, familial hypertrophic, 26. Identifiers: Orphanet 75249, MedGen C4310749, MONDO:0014883, OMIM 617047.

Allele frequency attached by ClinVar (database versions not stated): gnomAD exomes 0.00001.

Submission:

Labcorp Genetics (formerly Invitae), Labcorp
Classification: Uncertain significance for Distal myopathy with posterior leg and anterior hand involvement; Myofibrillar myopathy 5; Hypertrophic cardiomyopathy 26. Last evaluated: 2017-01-18. Review status: criteria provided, single submitter. Criteria: Invitae Variant Classification Sherloc (09022015). Collection method: clinical testing. Allele origin: germline.
Comment: This sequence change replaces isoleucine with valine at codon 2478 of the FLNC protein (p.Ile2478Val). The isoleucine residue is highly conserved and there is a small physicochemical difference between isoleucine and valine. This variant is not present in population databases (ExAC no frequency) and has not been reported in the literature in individuals with a FLNC-related disease. Algorithms developed to predict the effect of missense changes on protein structure and function do not agree on the potential impact of this missense change (SIFT: "Deleterious"; PolyPhen-2: "Probably Damaging"; Align-GVGD: "Class C0"). In summary, this variant is a novel missense change with uncertain impact on protein function. It has been classified as a Variant of Uncertain Significance.

NM_001458.5(FLNC):c.7432A>G (p.Ile2478Val)

Genes: FLNC-AS1 (FLNC antisense RNA 1; minus strand), FLNC (filamin C; plus strand). Cytogenetic location: 7q32.1.
Variant type: single nucleotide variant.
Coding change: c.7432A>G on transcript NM_001458.5 (MANE Select); coding-DNA position 7432, A replaced by G.
Protein change: p.Ile2478Val; replaces isoleucine 2478 with valine.
Molecular consequence: missense variant.
Genome position (GRCh38, 1-based): chr7:128,856,792, A>G. VCF-style: chr7-128856792-A-G. GRCh37 (hg19) VCF-style: chr7-128496846-A-G.
Other names: c.7333A>G, p.Ile2445Val (NM_001127487.2); short protein forms I2478V, I2445V.
Identifiers: ClinVar variation 472171 (VCV000472171.9), dbSNP rs1430261045, ClinGen allele CA369217343.